The following is an entry in ClinVar:

NM_001046.3(SLC12A2):c.1174G>A (p.Val392Met)

Gene: SLC12A2 (solute carrier family 12 member 2; plus strand). Cytogenetic location: 5q23.3.
Variant type: single nucleotide variant.
Coding change: c.1174G>A on transcript NM_001046.3 (MANE Select); coding-DNA position 1174, G replaced by A.
Protein change: p.Val392Met; replaces valine 392 with methionine.
Molecular consequence: missense variant. On other transcripts: non-coding transcript variant (1).
Genome position (GRCh38, 1-based): chr5:128,131,192, G>A. VCF-style: chr5-128131192-G-A. GRCh37 (hg19) VCF-style: chr5-127466884-G-A.
Other names: c.1174G>A, p.Val392Met (NM_001256461.2); short protein forms V392M.
Identifiers: ClinVar variation 3370143 (VCV003370143.1).

ClinVar aggregate classification (germline): Uncertain significance (1 of 4 stars; one submission).

Submission:

GeneDx
Classification: Uncertain significance. Last evaluated: 2023-12-28. Review status: criteria provided, single submitter. Criteria: GeneDx Variant Classification Process June 2021. Collection method: clinical testing. Allele origin: germline. Affected: yes.
Comment: Not observed at significant frequency in large population cohorts (gnomAD); In silico analysis supports that this missense variant does not alter protein structure/function; Has not been previously published as pathogenic or benign to our knowledge